The following is an entry in ClinVar:

ClinVar aggregate classification (germline): Uncertain significance (0 of 4 stars; one submission).

Conditions:
CEP290-related disorder. Also called: CEP290-related condition; CEP290-related disorders. Identifiers: MedGen CN239314.

Submission:

PreventionGenetics, part of Exact Sciences
Classification: Uncertain significance for CEP290-related condition. Last evaluated: 2024-03-23. Review status: no assertion criteria provided. Collection method: clinical testing. Allele origin: germline.
Comment: The CEP290 c.1217A>C variant is predicted to result in the amino acid substitution p.His406Pro. To our knowledge, this variant has not been reported in the literature or in a large population database, indicating this variant is rare. At this time, the clinical significance of this variant is uncertain due to the absence of conclusive functional and genetic evidence.

NM_025114.4(CEP290):c.1217A>C (p.His406Pro)

Gene: CEP290 (centrosomal protein 290; minus strand). Cytogenetic location: 12q21.32.
Variant type: single nucleotide variant.
Coding change: c.1217A>C on transcript NM_025114.4 (MANE Select); coding-DNA position 1217, A replaced by C.
Protein change: p.His406Pro; replaces histidine 406 with proline.
Molecular consequence: missense variant.
Genome position (GRCh38, 1-based): chr12:88,121,139, T>G on the plus strand (A>C on the coding strand, the complement: CEP290 is on the minus strand). VCF-style: chr12-88121139-T-G. GRCh37 (hg19) VCF-style: chr12-88514916-T-G.
Other names: short protein forms H406P.
Identifiers: ClinVar variation 3349580 (VCV003349580.1).